The following is an entry in ClinVar:

NM_022489.4(INF2):c.1096C>A (p.Gln366Lys)

Gene: INF2 (inverted formin 2; plus strand). Cytogenetic location: 14q32.33.
Variant type: single nucleotide variant.
Coding change: c.1096C>A on transcript NM_022489.4 (MANE Select); coding-DNA position 1096, C replaced by A.
Protein change: p.Gln366Lys; replaces glutamine 366 with lysine.
Molecular consequence: missense variant. On other transcripts: non-coding transcript variant (1).
Genome position (GRCh38, 1-based): chr14:104,707,363, C>A. VCF-style: chr14-104707363-C-A. GRCh37 (hg19) VCF-style: chr14-105173700-C-A.
Other names: c.1096C>A, p.Gln366Lys (NM_001031714.4, NM_001426862.1, NM_001426863.1 and 2 more transcripts); short protein forms Q366K.
Identifiers: ClinVar variation 4989583 (VCV004989583.1).

ClinVar aggregate classification (germline): Uncertain significance (1 of 4 stars; one submission).

Conditions:
INF2-related disorder. Also called: INF2-related condition.

Submission:

PreventionGenetics, part of Exact Sciences
Classification: Uncertain significance for INF2-related condition. Last evaluated: 2025-05-07. Review status: criteria provided, single submitter. Criteria: ACMG Guidelines, 2015. Collection method: clinical testing. Allele origin: germline.
Comment: The INF2 c.1096C>A variant is predicted to result in the amino acid substitution p.Gln366Lys. To our knowledge, this variant has not been reported in the literature or in a large population database (gnomAD), indicating this variant is rare. At this time, the clinical significance of this variant is uncertain due to the absence of conclusive functional and genetic evidence.